The following is an entry in ClinVar:

NM_005257.6(GATA6):c.589A>G (p.Met197Val)

Gene: GATA6 (GATA binding protein 6; plus strand). Cytogenetic location: 18q11.2.
Variant type: single nucleotide variant.
Coding change: c.589A>G on transcript NM_005257.6 (MANE Select); coding-DNA position 589, A replaced by G.
Protein change: p.Met197Val; replaces methionine 197 with valine.
Molecular consequence: missense variant.
Genome position (GRCh38, 1-based): chr18:22,171,733, A>G. VCF-style: chr18-22171733-A-G. GRCh37 (hg19) VCF-style: chr18-19751694-A-G.
Other names: short protein forms M197V.
Identifiers: ClinVar variation 1444059 (VCV001444059.9), dbSNP rs1245355073, ClinGen allele CA401800063.

ClinVar aggregate classification (germline): Uncertain significance. Review status: criteria provided, multiple submitters, no conflicts (2 of 4 stars). 2 submissions from 2 submitters: Uncertain significance (2). Last evaluated 2022-02-23.

Conditions:
Atrioventricular septal defect 5 (AVSD5). Identifiers: MedGen C3280939, MONDO:0013769, OMIM 614474.

Submissions (2):

Blueprint Genetics
Classification: Uncertain significance. Last evaluated: 2022-02-23. Review status: criteria provided, single submitter. Criteria: ACMG Guidelines, 2015. Collection method: clinical testing. Allele origin: germline.

Labcorp Genetics (formerly Invitae), Labcorp
Classification: Uncertain significance for Atrioventricular septal defect 5. Last evaluated: 2021-07-21. Review status: criteria provided, single submitter. Criteria: Invitae Variant Classification Sherloc (09022015). Collection method: clinical testing. Allele origin: germline.
Comment: In summary, the available evidence is currently insufficient to determine the role of this variant in disease. Therefore, it has been classified as a Variant of Uncertain Significance. Algorithms developed to predict the effect of missense changes on protein structure and function (SIFT, PolyPhen-2, Align-GVGD) all suggest that this variant is likely to be tolerated. This variant has not been reported in the literature in individuals affected with GATA6-related conditions. The frequency data for this variant in the population databases is considered unreliable, as metrics indicate insufficient coverage at this position in the ExAC database. This sequence change replaces methionine with valine at codon 197 of the GATA6 protein (p.Met197Val). The methionine residue is moderately conserved and there is a small physicochemical difference between methionine and valine.